The following is an entry in ClinVar:

NM_033395.2(CEP295):c.456A>G (p.Glu152=)

Gene: CEP295 (centrosomal protein 295; plus strand). Cytogenetic location: 11q21.
Variant type: single nucleotide variant.
Coding change: c.456A>G on transcript NM_033395.2 (MANE Select); coding-DNA position 456, A replaced by G.
Protein change: p.Glu152=; no amino-acid change (glutamic acid 152 retained).
Molecular consequence: synonymous variant.
Genome position (GRCh38, 1-based): chr11:93,669,698, A>G. VCF-style: chr11-93669698-A-G. GRCh37 (hg19) VCF-style: chr11-93402864-A-G.
Identifiers: ClinVar variation 4874178 (VCV004874178.2).

ClinVar aggregate classification (germline): Uncertain significance (1 of 4 stars; one submission).

gnomAD v4.1: 1 of 1,550,512 alleles (0.000064%); highest among the groups gnomAD compares: Non-Finnish European, 0.000087%; no homozygotes.

Submission:

CeGaT Center for Human Genetics Tuebingen
Classification: Uncertain significance. Last evaluated: 2026-07-01. Review status: criteria provided, single submitter. Criteria: CeGaT Center For Human Genetics Tuebingen Variant Classification Criteria Version 2. Collection method: clinical testing. Allele origin: germline. Affected: yes. Observed: 1 variant allele.
Comment: CEP295: PM2, BP4